The following is an entry in ClinVar:

ClinVar aggregate classification (germline): Pathogenic (1 of 4 stars; one submission).

Allele frequency attached by ClinVar (database versions not stated): gnomAD exomes below 0.00001; ExAC 0.00001.
gnomAD v4.1: 2 of 1,612,550 alleles (0.00012%); highest among the groups gnomAD compares: South Asian, 0.0022%; no homozygotes.

Submission:

Labcorp Genetics (formerly Invitae), Labcorp
Classification: Pathogenic. Last evaluated: 2023-07-10. Review status: criteria provided, single submitter. Criteria: Invitae Variant Classification Sherloc (09022015). Collection method: clinical testing. Allele origin: germline.
Comment: This sequence change falls in intron 5 of the CNGB1 gene. It does not directly change the encoded amino acid sequence of the CNGB1 protein. It affects a nucleotide within the consensus splice site. This variant is present in population databases (rs772200098, gnomAD 0.003%). This variant has been observed in individuals with retinitis pigmentosa (Invitae). ClinVar contains an entry for this variant (Variation ID: 1507633). Variants that disrupt the consensus splice site are a relatively common cause of aberrant splicing (PMID: 17576681, 9536098). Algorithms developed to predict the effect of sequence changes on RNA splicing suggest that this variant may disrupt the consensus splice site. For these reasons, this variant has been classified as Pathogenic.

Literature cited by the submitters: PubMed 17576681; PubMed 9536098.

NM_001297.5(CNGB1):c.382-3C>G

Gene: CNGB1 (cyclic nucleotide gated channel subunit beta 1; minus strand). Cytogenetic location: 16q21.
Variant type: single nucleotide variant.
Coding change: c.382-3C>G on transcript NM_001297.5 (MANE Select); 3 bases into the intron before coding-DNA position 382, C replaced by G.
Molecular consequence: intron variant.
Genome position (GRCh38, 1-based): chr16:57,962,875, G>C on the plus strand (C>G on the coding strand, the complement: CNGB1 is on the minus strand). VCF-style: chr16-57962875-G-C. GRCh37 (hg19) VCF-style: chr16-57996779-G-C.
Other names: c.382-3C>G (NM_001286130.2, NM_001135639.2).
Identifiers: ClinVar variation 1507633 (VCV001507633.6), dbSNP rs772200098, ClinGen allele CA8083856.